The following is an entry in ClinVar:

ClinVar aggregate classification (germline): Uncertain significance (1 of 4 stars; one submission).

Conditions:
Catecholaminergic polymorphic ventricular tachycardia (CVPT). Also called: Catecholamine-induced polymorphic ventricular tachycardia. Identifiers: Orphanet 3286, MedGen C5574922, MONDO:0017990.

gnomAD v4.1: 1 of 1,613,544 alleles (0.000062%); highest among the groups gnomAD compares: Non-Finnish European, 0.000085%; no homozygotes.

Submission:

All of Us Research Program, National Institutes of Health
Classification: Uncertain significance for Catecholaminergic polymorphic ventricular tachycardia. Last evaluated: 2024-05-30. Review status: criteria provided, single submitter. Criteria: ACMG Guidelines, 2015. Collection method: clinical testing. Allele origin: germline. Inheritance: Autosomal dominant inheritance. Observed: 1 variant allele, 1 heterozygote.
Comment: This missense variant replaces asparagine with serine at codon 4794 of the RYR2 protein. Computational prediction is inconclusive regarding the impact of this variant on protein structure and function (internally defined REVEL score threshold 0.5 < inconclusive < 0.7, PMID: 27666373). To our knowledge, functional studies have not been reported for this variant. This variant has not been reported in individuals affected with RYR2-related disorders in the literature. This variant has not been identified in the general population by the Genome Aggregation Database (gnomAD). The available evidence is insufficient to determine the role of this variant in disease conclusively. Therefore, this variant is classified as a Variant of Uncertain Significance.

This study involves interpretation of variants in research participants for the purpose of population health screening. Participant phenotype was not available at the time of variant classification. Additional details can be found in publication PMID: 35346344, PMCID: PMC8962531

NM_001035.3(RYR2):c.14381A>G (p.Asn4794Ser)

Gene: RYR2 (ryanodine receptor 2; plus strand). Cytogenetic location: 1q43.
Variant type: single nucleotide variant.
Coding change: c.14381A>G on transcript NM_001035.3 (MANE Select); coding-DNA position 14381, A replaced by G.
Protein change: p.Asn4794Ser; replaces asparagine 4794 with serine.
Molecular consequence: missense variant.
Genome position (GRCh38, 1-based): chr1:237,808,983, A>G. VCF-style: chr1-237808983-A-G. GRCh37 (hg19) VCF-style: chr1-237972283-A-G.
Other names: short protein forms N4794S.
Identifiers: ClinVar variation 3385879 (VCV003385879.1).